The following is an entry in ClinVar:

NM_025257.3(SLC44A4):c.802G>C (p.Val268Leu)

Gene: SLC44A4 (solute carrier family 44 member 4; minus strand). Cytogenetic location: 6p21.33.
Variant type: single nucleotide variant.
Coding change: c.802G>C on transcript NM_025257.3 (MANE Select); coding-DNA position 802, G replaced by C.
Protein change: p.Val268Leu; replaces valine 268 with leucine.
Molecular consequence: missense variant.
Genome position (GRCh38, 1-based): chr6:31,870,947, C>G on the plus strand (G>C on the coding strand, the complement: SLC44A4 is on the minus strand). VCF-style: chr6-31870947-C-G. GRCh37 (hg19) VCF-style: chr6-31838724-C-G.
Other names: c.676G>C, p.Val226Leu (NM_001178044.2); c.574G>C, p.Val192Leu (NM_001178045.2); short protein forms V226L, V192L, V268L.
Identifiers: ClinVar variation 4977411 (VCV004977411.1).
Genomic context (GRCh38, chr6:31,870,947, plus strand): 5'-CGCCCTTGTCCCGCAGCACTCGGTACTCCTCCCAGCAGTAGTAGATGCCGTATGCCAGCA[C>G]GCCCAGCACTCCCAGGATCAGCACCAGCACCAGGGGCCCAGCCACCAGGCGCAGAAGCAA-3'
Protein context (NP_079533.2, residues 258-278): VLVLILGVLG[Val268Leu]LAYGIYYCWE

ClinVar aggregate classification (germline): Uncertain significance (1 of 4 stars; one submission).

Conditions:
SLC44A4-related disorder. Also called: SLC44A4-related condition.

Submission:

PreventionGenetics, part of Exact Sciences
Classification: Uncertain significance for SLC44A4-related condition. Last evaluated: 2026-04-25. Review status: criteria provided, single submitter. Criteria: ACMG Guidelines, 2015. Collection method: clinical testing. Allele origin: germline.
Comment: The SLC44A4 c.802G>C variant is predicted to result in the amino acid substitution p.Val268Leu. To our knowledge, this variant has not been reported in the literature or in a large population database (gnomAD), indicating this variant is rare. At this time, the clinical significance of this variant is uncertain due to the absence of conclusive functional and genetic evidence.